The following is an entry in ClinVar:

ClinVar aggregate classification (germline): Uncertain significance (1 of 4 stars; one submission).

Submission:

GeneDx
Classification: Uncertain significance. Last evaluated: 2025-01-09. Review status: criteria provided, single submitter. Criteria: GeneDx Variant Classification Process June 2021. Collection method: clinical testing. Allele origin: germline. Affected: yes.
Comment: Not observed at significant frequency in large population cohorts (gnomAD); In-frame duplication of 2 amino acid(s) in a non-repeat region; Has not been previously published as pathogenic or benign to our knowledge; Reported using an alternate transcript of the gene

NM_001913.5(CUX1):c.1865TCT[4] (p.Phe623_Tyr624insPhePhe)

Gene: CUX1 (cut like homeobox 1; plus strand). Cytogenetic location: 7q22.1.
Variant type: Microsatellite.
Coding change: c.1865TCT[4] on transcript NM_001913.5 (MANE Plus Clinical); four copies in a row of the 3-base unit TCT starting at c.1865; the reference has two copies in a row; two copies, 6 bases duplicated.
Protein change: p.Phe623_Tyr624insPhePhe.
Molecular consequence: inframe insertion.
Genome position (GRCh38, 1-based): chr7:102,281,883-102,281,888, TCTTCT duplicated; duplicating any 6 consecutive bases within chr7:102,281,881-102,281,888 gives the same sequence; the position shown is the placement nearest the transcript's 3' end. VCF-style (leftmost placement, unchanged base first): chr7-102281880-G-GCTTCTT. GRCh37 (hg19) VCF-style: chr7-101925172-G-GCTTCTT.
Other names: c.1817TCT[4], p.Phe607_Tyr608insPhePhe (NM_001202544.3); c.1727TCT[4], p.Phe577_Tyr578insPhePhe (NM_001202545.3); c.1748TCT[4], p.Phe584_Tyr585insPhePhe (NM_001202546.3); c.1859TCT[4], p.Phe621_Tyr622insPhePhe (NM_181500.4).
Identifiers: ClinVar variation 4056951 (VCV004056951.1).
Genomic context (GRCh38, chr7:102,281,880, plus strand): 5'-CACCCCCTCCTTGCTCCCAGGGGCGTCTGGTTCTCTCCAACAAGATGGCGCGCACCATCG[G>GCTTCTT]CTTCTTCTACACACTGTTCCTGCACTGCCTGGTCTTCCTGGTGAGTGTGCACACGGGCGG-3'